The following is an entry in ClinVar:

ClinVar aggregate classification (germline): Uncertain significance. Review status: criteria provided, multiple submitters, no conflicts (2 of 4 stars). 2 submissions from 2 submitters: Uncertain significance (2). Last evaluated 2025-04-20.

Allele frequency attached by ClinVar (database versions not stated): gnomAD exomes below 0.00001; gnomAD 0.00001; TOPMed 0.00002; ESP Exome Variant Server 0.00008.
gnomAD v4.1: 5 of 1,613,880 alleles (0.00031%); highest among the groups gnomAD compares: Non-Finnish European, 0.00042%; no homozygotes.

Submissions (2):

Ambry Genetics
Classification: Uncertain significance. Last evaluated: 2025-04-20. Review status: criteria provided, single submitter. Criteria: Ambry Variant Classification Scheme 2023. Collection method: clinical testing. Allele origin: germline.

Labcorp Genetics (formerly Invitae), Labcorp
Classification: Uncertain significance. Last evaluated: 2022-09-30. Review status: criteria provided, single submitter. Criteria: Invitae Variant Classification Sherloc (09022015). Collection method: clinical testing. Allele origin: germline.
Comment: This sequence change replaces valine, which is neutral and non-polar, with leucine, which is neutral and non-polar, at codon 95 of the RPL9 protein (p.Val95Leu). This variant is not present in population databases (gnomAD no frequency). This variant has not been reported in the literature in individuals affected with RPL9-related conditions. Algorithms developed to predict the effect of missense changes on protein structure and function are either unavailable or do not agree on the potential impact of this missense change (SIFT: "Deleterious"; PolyPhen-2: "Benign"; Align-GVGD: "Class C25"). In summary, the available evidence is currently insufficient to determine the role of this variant in disease. Therefore, it has been classified as a Variant of Uncertain Significance.

NM_000661.5(RPL9):c.283G>C (p.Val95Leu)

Gene: RPL9 (ribosomal protein L9; minus strand). Cytogenetic location: 4p14.
Variant type: single nucleotide variant.
Coding change: c.283G>C on transcript NM_000661.5 (MANE Select); coding-DNA position 283, G replaced by C.
Protein change: p.Val95Leu; replaces valine 95 with leucine.
Molecular consequence: missense variant.
Genome position (GRCh38, 1-based): chr4:39,456,514, C>G on the plus strand (G>C on the coding strand, the complement: RPL9 is on the minus strand). VCF-style: chr4-39456514-C-G. GRCh37 (hg19) VCF-style: chr4-39458134-C-G.
Other names: c.283G>C (NM_001024921.2); c.283G>C, p.Val95Leu (NM_001024921.4); short protein forms V95L.
Identifiers: ClinVar variation 2420559 (VCV002420559.7), dbSNP rs372498694, ClinGen allele CA95721060.